The following is an entry in ClinVar:

NM_001958.5(EEF1A2):c.1263C>A (p.Leu421=)

Gene: EEF1A2 (eukaryotic translation elongation factor 1 alpha 2; minus strand). Cytogenetic location: 20q13.33.
Variant type: single nucleotide variant.
Coding change: c.1263C>A on transcript NM_001958.5 (MANE Select); coding-DNA position 1263, C replaced by A.
Protein change: p.Leu421=; no amino-acid change (leucine 421 retained).
Molecular consequence: synonymous variant.
Genome position (GRCh38, 1-based): chr20:63,488,919, G>T on the plus strand (C>A on the coding strand, the complement: EEF1A2 is on the minus strand). VCF-style: chr20-63488919-G-T. GRCh37 (hg19) VCF-style: chr20-62120272-G-T.
Identifiers: ClinVar variation 2094113 (VCV002094113.4), dbSNP rs115107511, ClinGen allele CA511204137.

ClinVar aggregate classification (germline): Uncertain significance (1 of 4 stars; one submission).

Conditions:
Developmental and epileptic encephalopathy, 33 (DEE33). Also called: Epileptic encephalopathy, early infantile, 33. Identifiers: Orphanet 442835, MedGen C4225337, MONDO:0014625, OMIM 616409.

Submission:

Labcorp Genetics (formerly Invitae), Labcorp
Classification: Uncertain significance for Developmental and epileptic encephalopathy, 33. Last evaluated: 2025-11-03. Review status: criteria provided, single submitter. Criteria: Invitae Variant Classification Sherloc (09022015). Collection method: clinical testing. Allele origin: germline.
Comment: This sequence change affects codon 421 of the EEF1A2 mRNA. It is a 'silent' change, meaning that it does not change the encoded amino acid sequence of the EEF1A2 protein. It affects a nucleotide within the consensus splice site. This variant is present in population databases (no rsID available, gnomAD 0.003%). This variant has not been reported in the literature in individuals affected with EEF1A2-related conditions. ClinVar contains an entry for this variant (Variation ID: 2094113). Algorithms developed to predict the effect of sequence changes on RNA splicing suggest that this variant is not likely to affect RNA splicing. In summary, the available evidence is currently insufficient to determine the role of this variant in disease. Therefore, it has been classified as a Variant of Uncertain Significance.